The following is an entry in ClinVar:

NM_015294.6(TRIM37):c.2136C>T (p.Ser712=)

Gene: TRIM37 (tripartite motif containing 37; minus strand). Cytogenetic location: 17q22.
Variant type: single nucleotide variant.
Coding change: c.2136C>T on transcript NM_015294.6 (MANE Select); coding-DNA position 2136, C replaced by T.
Protein change: p.Ser712=; no amino-acid change (serine 712 retained).
Molecular consequence: synonymous variant. On other transcripts: non-coding transcript variant (2).
Genome position (GRCh38, 1-based): chr17:59,028,536, G>A on the plus strand (C>T on the coding strand, the complement: TRIM37 is on the minus strand). VCF-style: chr17-59028536-G-A. GRCh37 (hg19) VCF-style: chr17-57105897-G-A.
Other names: c.2136C>T, p.Ser712= (NM_001005207.5, NM_001320988.3, NM_001320989.3 and 1 more transcripts); c.2034C>T, p.Ser678= (NM_001320987.3, NM_001353082.2); c.1770C>T, p.Ser590= (NM_001320990.3); c.1401C>T, p.Ser467= (NM_001353083.2); c.1674C>T, p.Ser558= (NM_001353085.2); c.2085C>T, p.Ser695= (NM_001353086.2); c.2136C>T (NM_015294.4).
Identifiers: ClinVar variation 559042 (VCV000559042.15), dbSNP rs768860943, ClinGen allele CA8678134.

ClinVar aggregate classification (germline): Likely benign. Review status: criteria provided, multiple submitters, no conflicts (2 of 4 stars). 5 submissions from 5 submitters: Likely benign (4). 1 of the submissions does not count toward it. Last evaluated 2026-06-15.

Conditions:
TRIM37-related disorder. Also called: TRIM37-related condition.

Allele frequency attached by ClinVar (database versions not stated): gnomAD 0.00006; gnomAD exomes 0.00007 and 0.00012; TOPMed 0.00007; ExAC 0.00012.
gnomAD v4.1: 124 of 1,614,100 alleles (0.0077%); highest among the groups gnomAD compares: Middle Eastern, 0.15%; 1 homozygote.

Submissions (5):

PreventionGenetics, part of Exact Sciences
Classification: Likely benign for TRIM37-related condition. Last evaluated: 2026-06-15. Review status: criteria provided, single submitter. Criteria: ACMG Guidelines, 2015. Collection method: clinical testing. Allele origin: germline.
Comment: This variant is classified as likely benign based on ACMG/AMP sequence variant interpretation guidelines (Richards et al. 2015 PMID: 25741868, with internal and published modifications).

Labcorp Genetics (formerly Invitae), Labcorp
Classification: Likely benign. Last evaluated: 2026-01-19. Review status: criteria provided, single submitter. Criteria: Invitae Variant Classification Sherloc (09022015). Collection method: clinical testing. Allele origin: germline.

Blueprint Genetics
Classification: Likely benign. Last evaluated: 2024-10-15. Review status: criteria provided, single submitter. Criteria: ACMG Guidelines, 2015. Collection method: clinical testing. Allele origin: germline.

Breakthrough Genomics
Classification: Likely benign. Review status: criteria provided, single submitter. Criteria: ACMG Guidelines, 2015. Collection method: not provided. Allele origin: germline. Inheritance: Autosomal recessive inheritance. Affected: yes.

Mayo Clinic Laboratories, Mayo Clinic
Classification: Likely benign. Last evaluated: 2017-05-10. Review status: no assertion criteria provided. Collection method: clinical testing. Allele origin: unknown. Not counted in ClinVar's aggregate classification.